The following is an entry in ClinVar:

NM_014319.5(LEMD3):c.2444G>A (p.Ser815Asn)

Gene: LEMD3 (LEM domain containing 3; plus strand). Cytogenetic location: 12q14.3.
Variant type: single nucleotide variant.
Coding change: c.2444G>A on transcript NM_014319.5 (MANE Select); coding-DNA position 2444, G replaced by A.
Protein change: p.Ser815Asn; replaces serine 815 with asparagine.
Molecular consequence: missense variant.
Genome position (GRCh38, 1-based): chr12:65,245,725, G>A. VCF-style: chr12-65245725-G-A. GRCh37 (hg19) VCF-style: chr12-65639505-G-A.
Other names: c.2441G>A, p.Ser814Asn (NM_001167614.2); short protein forms S815N, S814N.
Identifiers: ClinVar variation 4994823 (VCV004994823.1).

ClinVar aggregate classification (germline): Uncertain significance (1 of 4 stars; one submission).

Conditions:
LEMD3-related disorder. Also called: LEMD3-related condition.

gnomAD v4.1: 2 of 1,613,958 alleles (0.00012%); highest among the groups gnomAD compares: Non-Finnish European, 0.00017%; no homozygotes.

Submission:

PreventionGenetics, part of Exact Sciences
Classification: Uncertain significance for LEMD3-related condition. Last evaluated: 2025-12-05. Review status: criteria provided, single submitter. Criteria: ACMG Guidelines, 2015. Collection method: clinical testing. Allele origin: germline.
Comment: The LEMD3 c.2444G>A variant is predicted to result in the amino acid substitution p.Ser815Asn. To our knowledge, this variant has not been reported in the literature. This variant is reported in 0.00088% of alleles in individuals of European (Non-Finnish) descent in gnomAD. At this time, the clinical significance of this variant is uncertain due to the absence of conclusive functional and genetic evidence.